The following is an entry in ClinVar:

ClinVar aggregate classification (germline): Pathogenic (1 of 4 stars; one submission).

Conditions:
Glycogen storage disease type III (GSD3). Also called: Cori disease; FORBES DISEASE. Identifiers: Orphanet 366, MedGen C0017922, MONDO:0009291, OMIM 232400.

Submission:

Labcorp Genetics (formerly Invitae), Labcorp
Classification: Pathogenic for Glycogen storage disease type III. Last evaluated: 2022-07-05. Review status: criteria provided, single submitter. Criteria: Invitae Variant Classification Sherloc (09022015). Collection method: clinical testing. Allele origin: germline.
Comment: For these reasons, this variant has been classified as Pathogenic. ClinVar contains an entry for this variant (Variation ID: 951726). This variant has not been reported in the literature in individuals affected with AGL-related conditions. This variant is not present in population databases (gnomAD no frequency). This sequence change creates a premature translational stop signal (p.Lys715Argfs*15) in the AGL gene. It is expected to result in an absent or disrupted protein product. Loss-of-function variants in AGL are known to be pathogenic (PMID: 19299494).

Literature cited by the submitters: PubMed 19299494.

NM_000642.3(AGL):c.2144del (p.Lys715fs)

Gene: AGL (amylo-alpha-1,6-glucosidase and 4-alpha-glucanotransferase; plus strand). Cytogenetic location: 1p21.2.
Variant type: Deletion.
Coding change: c.2144del on transcript NM_000642.3 (MANE Select); coding-DNA position 2144, one base deleted (A; older notation c.2144delA).
Protein change: p.Lys715fs; shifts the reading frame from lysine 715.
Molecular consequence: frameshift variant.
Genome position (GRCh38, 1-based): chr1:99,881,434, A deleted; the last of 2 consecutive A bases (chr1:99,881,433-99,881,434); deleting either gives the same sequence. VCF-style (leftmost placement, unchanged base first): chr1-99881432-CA-C. GRCh37 (hg19) VCF-style: chr1-100346988-CA-C.
Other names: c.2144delA, p.Lys715Argfs (NM_000028.3, NM_000643.3, NM_000644.3 and 2 more transcripts); c.2096delA, p.Lys699Argfs (NM_000646.3); c.1943delA, p.Lys648Argfs (NM_001425327.1); c.1940delA, p.Lys647Argfs (NM_001425328.1, NM_001425329.1); c.1766delA, p.Lys589Argfs (NM_001425332.1); short protein forms K699fs, K715fs.
Identifiers: ClinVar variation 951726 (VCV000951726.8), dbSNP rs1652017784, ClinGen allele CA1139656250.